The following is an entry in ClinVar:

ClinVar aggregate classification (germline): Pathogenic/Likely pathogenic. Review status: criteria provided, multiple submitters, no conflicts (2 of 4 stars). 5 submissions from 5 submitters: Pathogenic (3); Likely pathogenic (2). Last evaluated 2022-05-25.

Conditions:
COL2A1-related disorder. Also called: COL2A1-related condition; COL2A1-related disorders.
Achondrogenesis type II (ACG2). Also called: ACHONDROGENESIS, LANGER-SALDINO TYPE; CHONDROGENESIS IMPERFECTA. Identifiers: Orphanet 932, Orphanet 93296, MedGen C0220685, MONDO:0008702, OMIM 200610.
Stickler syndrome type 1 (STL1). Also called: COL2A1-Related Stickler Syndrome; ARTHROOPHTHALMOPATHY, HEREDITARY PROGRESSIVE; STICKLER SYNDROME, MEMBRANOUS VITREOUS TYPE; STICKLER SYNDROME, VITREOUS TYPE 1. Identifiers: Orphanet 828, Orphanet 90653, MedGen C2020284, MONDO:0007160, OMIM 108300.

Submissions (5):

Women's Health and Genetics/Laboratory Corporation of America, LabCorp
Classification: Pathogenic for Achondrogenesis type II. Last evaluated: 2022-05-25. Review status: criteria provided, single submitter. Criteria: LabCorp Variant Classification Summary - May 2015. Collection method: clinical testing. Allele origin: germline.
Comment: Variant summary: COL2A1 c.491dupC (p.Gly165TrpfsX24) results in a premature termination codon, predicted to cause a truncation of the encoded protein or absence of the protein due to nonsense mediated decay, which are commonly known mechanisms for disease. Truncations downstream of this position have been reported in association with Stickler Syndrome in the HGMD database. The variant was absent in 248734 control chromosomes. c.491dupC has been reported in the literature as a de-novo variant in at-least one individual affected with Stickler Syndrome (example, Huang_2020). Two clinical diagnostic laboratories have submitted clinical-significance assessments for this variant to ClinVar after 2014 without evidence for independent evaluation. All laboratories classified the variant as pathogenic/likely pathogenic. Based on the evidence outlined above, the variant was classified as pathogenic.

Labcorp Genetics (formerly Invitae), Labcorp
Classification: Pathogenic. Last evaluated: 2022-05-05. Review status: criteria provided, single submitter. Criteria: Invitae Variant Classification Sherloc (09022015). Collection method: clinical testing. Allele origin: germline.
Comment: For these reasons, this variant has been classified as Pathogenic. ClinVar contains an entry for this variant (Variation ID: 817344). This premature translational stop signal has been observed in individual(s) with Stickler syndrome (PMID: 32756486). This variant is not present in population databases (gnomAD no frequency). This sequence change creates a premature translational stop signal (p.Gly165Trpfs*24) in the COL2A1 gene. It is expected to result in an absent or disrupted protein product. Loss-of-function variants in COL2A1 are known to be pathogenic (PMID: 20179744).

Blueprint Genetics
Classification: Pathogenic for COL2A1-related disorders. Last evaluated: 2022-03-17. Review status: criteria provided, single submitter. Criteria: ACMG Guidelines, 2015. Collection method: clinical testing. Allele origin: germline. Affected: yes. Observed: 1 variant allele.

GeneDx
Classification: Likely pathogenic. Last evaluated: 2018-12-04. Review status: criteria provided, single submitter. Criteria: GeneDx Variant Classification (06012015). Collection method: clinical testing. Allele origin: germline. Affected: yes.
Comment: Although the c.491dupC likely pathogenic variant in the COL2A1 gene has not been reported to our knowledge, this variant causes a shift in reading frame starting at codon glycine 165, changing it to a tryptophan, and creating a premature stop codon at position 24 of the new reading frame, denoted p.Gly165TrpfsX24. This likely pathogenic variant is expected to result in either an abnormal, truncated protein product or loss of protein from this allele through nonsense-mediated mRNA decay. Other frameshift variants in the COL2A1 gene have been reported in Human Gene Mutation Database in association with with Stickler syndrome and other COL2A1-related disorders (Stenson et al., 2014), indicating that loss of function is a mechanism of disease for this gene. Furthermore, the c.491dupC variant has not been observed in large population cohorts (Lek et al., 2016).

Laboratory of Functional Genomics, Research Centre for Medical Genetics
Classification: Likely pathogenic for Stickler syndrome type 1. Review status: criteria provided, single submitter. Criteria: ACMG Guidelines, 2015. Collection method: clinical testing. Allele origin: unknown. Inheritance: Sporadic. Affected: yes. Observed: 1 heterozygote.

Literature cited by the submitters: PubMed 32756486 (cited by Women's Health and Genetics/Laboratory Corporation of America, LabCorp and Labcorp Genetics (formerly Invitae), Labcorp); PubMed 20179744 (cited by Labcorp Genetics (formerly Invitae), Labcorp).

NM_001844.5(COL2A1):c.491dup (p.Gly165fs)

Gene: COL2A1 (collagen type II alpha 1 chain; minus strand). Cytogenetic location: 12q13.11.
Variant type: Duplication.
Coding change: c.491dup on transcript NM_001844.5 (MANE Select); coding-DNA position 491, one base duplicated (C; older notation c.491dupC).
Protein change: p.Gly165fs; shifts the reading frame from glycine 165.
Molecular consequence: frameshift variant.
Genome position (GRCh38, 1-based): chr12:47,997,646, G duplicated on the plus strand (C on the coding strand, the reverse complement: COL2A1 is on the minus strand); the first of 6 consecutive G bases (chr12:47,997,646-47,997,651); duplicating any one gives the same sequence. VCF-style (leftmost placement, unchanged base first): chr12-47997645-A-AG. GRCh37 (hg19) VCF-style: chr12-48391428-A-AG.
Other names: NM_001844.5:c.491dup; c.284dup, p.Gly96fs (NM_033150.3); short protein forms G165fs, G96fs.
Identifiers: ClinVar variation 817344 (VCV000817344.10), dbSNP rs1592235241, ClinGen allele CA915948795.